The following is an entry in ClinVar:

NM_000368.5(TSC1):c.1167A>G (p.Gly389=)

Gene: TSC1 (TSC complex subunit 1; minus strand). Cytogenetic location: 9q34.13.
Variant type: single nucleotide variant.
Coding change: c.1167A>G on transcript NM_000368.5 (MANE Select); coding-DNA position 1167, A replaced by G.
Protein change: p.Gly389=; no amino-acid change (glycine 389 retained).
Molecular consequence: synonymous variant.
Genome position (GRCh38, 1-based): chr9:132,910,667, T>C on the plus strand (A>G on the coding strand, the complement: TSC1 is on the minus strand). VCF-style: chr9-132910667-T-C. GRCh37 (hg19) VCF-style: chr9-135786054-T-C.
Other names: c.1164A>G, p.Gly388= (NM_001162426.2); c.1014A>G, p.Gly338= (NM_001162427.2); c.804A>G, p.Gly268= (NM_001362177.2).
Identifiers: ClinVar variation 1115899 (VCV001115899.11), dbSNP rs876660723, ClinGen allele CA467593278.

ClinVar aggregate classification (germline): Benign/Likely benign. Review status: criteria provided, multiple submitters, no conflicts (2 of 4 stars). 3 submissions from 3 submitters: Benign (1); Likely benign (2). Last evaluated 2025-04-09.

Conditions:
Tuberous sclerosis syndrome (TSC). Also called: Tuberous Sclerosis Complex; Tuberous sclerosis. Identifiers: Orphanet 805, MedGen C0041341, MONDO:0001734.
Tuberous sclerosis 1 (TSC1). Identifiers: Orphanet 805, MedGen C1854465, MONDO:0008612, OMIM 191100.

Submissions (3):

Myriad Genetics, Inc.
Classification: Benign for Tuberous sclerosis 1. Last evaluated: 2025-04-09. Review status: criteria provided, single submitter. Criteria: Myriad Autosomal Dominant, Autosomal Recessive and X-Linked Classification Criteria (2023). Collection method: clinical testing. Allele origin: unknown.
Comment: This variant is considered benign. This variant is a silent/synonymous amino acid change and it is not expected to impact splicing.

All of Us Research Program, National Institutes of Health
Classification: Likely benign for Tuberous sclerosis syndrome. Last evaluated: 2024-09-23. Review status: criteria provided, single submitter. Criteria: ACMG Guidelines, 2015. Collection method: clinical testing. Allele origin: germline. Inheritance: Autosomal dominant inheritance. Observed: 2 variant alleles, 2 heterozygotes.
Comment: This study involves interpretation of variants in research participants for the purpose of population health screening. Participant phenotype was not available at the time of variant classification. Additional details can be found in publication PMID: 35346344, PMCID: PMC8962531

Labcorp Genetics (formerly Invitae), Labcorp
Classification: Likely benign for Tuberous sclerosis 1. Last evaluated: 2021-06-20. Review status: criteria provided, single submitter. Criteria: Invitae Variant Classification Sherloc (09022015). Collection method: clinical testing. Allele origin: germline.